The following is an entry in ClinVar:

NM_021074.5(NDUFV2):c.230_236del (p.Ala77fs)

Gene: NDUFV2 (NADH:ubiquinone oxidoreductase core subunit V2; plus strand). Cytogenetic location: 18p11.22.
Variant type: Deletion.
Coding change: c.230_236del on transcript NM_021074.5 (MANE Select); coding-DNA positions 230 to 236, 7 bases deleted (CAGCTGT; older notation c.230_236delCAGCTGT).
Protein change: p.Ala77fs; shifts the reading frame from alanine 77.
Molecular consequence: frameshift variant.
Genome position (GRCh38, 1-based): chr18:9,119,520-9,119,526, CAGCTGT deleted. VCF-style (leftmost placement, unchanged base first): chr18-9119519-GCAGCTGT-G. GRCh37 (hg19) VCF-style: chr18-9119517-GCAGCTGT-G.
Other names: c.230_236del (NM_021074.4); c.230_236delCAGCTGT (NM_021074.4); short protein forms A77fs.
Identifiers: ClinVar variation 1983996 (VCV001983996.7), dbSNP rs1431507497, ClinGen allele CA783057593.
Genomic context (GRCh38, chr18:9,119,519, plus strand): 5'-CTTTCTTTTATACAGAGGATAGAGGCAATTGTAAAAAACTATCCAGAAGGCCATAAAGCA[GCAGCTGT>G]TCTTCCAGTCCTGGATTTAGCCCAAAGGCAGAATGGGTGGTTGCCCATCTCTGCTATGAA-3'

ClinVar aggregate classification (germline): Pathogenic. Review status: criteria provided, multiple submitters, no conflicts (2 of 4 stars). 3 submissions from 3 submitters: Pathogenic (3). Last evaluated 2024-04-03.

Conditions:
Inborn genetic diseases. Identifiers: MedGen C0950123, MeSH D030342.

Allele frequency attached by ClinVar (database versions not stated): gnomAD exomes below 0.00001; TOPMed below 0.00001; gnomAD 0.00001.

Submissions (3):

Ambry Genetics
Classification: Pathogenic for Inborn genetic diseases. Last evaluated: 2024-04-03. Review status: criteria provided, single submitter. Criteria: Ambry Variant Classification Scheme 2023. Collection method: clinical testing. Allele origin: germline.
Comment: The c.230_236delCAGCTGT (p.A77Vfs*7) alteration, located in exon 4 (coding exon 4) of the NDUFV2 gene, consists of a deletion of 7 nucleotides from position 230 to 236, causing a translational frameshift with a predicted alternate stop codon after 7 amino acids. This alteration is expected to result in loss of function by premature protein truncation or nonsense-mediated mRNA decay. This variant was not reported in population-based cohorts in the Genome Aggregation Database (gnomAD). Based on the available evidence, this alteration is classified as pathogenic.

Genetic Services Laboratory, University of Chicago
Classification: Pathogenic. Last evaluated: 2023-04-10. Review status: criteria provided, single submitter. Criteria: ACMG Guidelines, 2015. Collection method: clinical testing. Allele origin: germline. Affected: yes.
Comment: DNA sequence analysis of the NDUFV2 gene demonstrated a 7 base pair deletion in exon 4, c.230_236del. This sequence change results in an amino acid frameshift and creates a premature stop codon 6 amino acids downstream of the change, p.Ala77Valfs*7. This sequence change is predicted to result in an abnormal transcript, which may be degraded, or may lead to the production of a truncated NDUFV2 protein with potentially abnormal function. The c.230_236del sequence change has not been described in population databases such as ExAC and gnomAD. This pathogenic sequence change has previously been described in the heterozygous state in an individual with hypotonia (PMID: 34480364). Other truncating variants in the NDUFV2 gene have been described in individuals with NDUFV2-related disorders (PMID: 12754703, 26008862). Collectively, this evidence indicates that this sequence change is pathogenic.

Labcorp Genetics (formerly Invitae), Labcorp
Classification: Pathogenic. Last evaluated: 2022-10-07. Review status: criteria provided, single submitter. Criteria: Invitae Variant Classification Sherloc (09022015). Collection method: clinical testing. Allele origin: germline.
Comment: This sequence change creates a premature translational stop signal (p.Ala77Valfs*7) in the NDUFV2 gene. It is expected to result in an absent or disrupted protein product. Loss-of-function variants in NDUFV2 are known to be pathogenic (PMID: 12754703, 26008862). This variant is not present in population databases (gnomAD no frequency). This variant has not been reported in the literature in individuals affected with NDUFV2-related conditions. For these reasons, this variant has been classified as Pathogenic.

Literature cited by the submitters: PubMed 12754703 (cited by Labcorp Genetics (formerly Invitae), Labcorp); PubMed 26008862 (cited by Labcorp Genetics (formerly Invitae), Labcorp).